The following is an entry in ClinVar:

ClinVar aggregate classification (germline): Uncertain significance. Review status: criteria provided, multiple submitters, no conflicts (2 of 4 stars). 2 submissions from 2 submitters: Uncertain significance (2). Last evaluated 2025-04-01.

Allele frequency attached by ClinVar (database versions not stated): TOPMed below 0.00001.
gnomAD v4.1: 2 of 1,614,090 alleles (0.00012%); highest among the groups gnomAD compares: Middle Eastern, 0.033%; no homozygotes.

Submissions (2):

Ambry Genetics
Classification: Uncertain significance. Last evaluated: 2025-04-01. Review status: criteria provided, single submitter. Criteria: Ambry Variant Classification Scheme 2023. Collection method: clinical testing. Allele origin: germline.

Labcorp Genetics (formerly Invitae), Labcorp
Classification: Uncertain significance. Last evaluated: 2021-12-18. Review status: criteria provided, single submitter. Criteria: Invitae Variant Classification Sherloc (09022015). Collection method: clinical testing. Allele origin: germline.
Comment: In summary, the available evidence is currently insufficient to determine the role of this variant in disease. Therefore, it has been classified as a Variant of Uncertain Significance. Algorithms developed to predict the effect of missense changes on protein structure and function are either unavailable or do not agree on the potential impact of this missense change (SIFT: "Deleterious"; PolyPhen-2: "Benign"; Align-GVGD: "Class C0"). This variant has not been reported in the literature in individuals affected with IL6ST-related conditions. This variant is not present in population databases (gnomAD no frequency). This sequence change replaces arginine, which is basic and polar, with threonine, which is neutral and polar, at codon 811 of the IL6ST protein (p.Arg811Thr).

NM_002184.4(IL6ST):c.2432G>C (p.Arg811Thr)

Gene: IL6ST (interleukin 6 cytokine family signal transducer; minus strand). Cytogenetic location: 5q11.2.
Variant type: single nucleotide variant.
Coding change: c.2432G>C on transcript NM_002184.4 (MANE Select); coding-DNA position 2432, G replaced by C.
Protein change: p.Arg811Thr; replaces arginine 811 with threonine.
Molecular consequence: missense variant. On other transcripts: 3 prime UTR variant (1), non-coding transcript variant (2).
Genome position (GRCh38, 1-based): chr5:55,941,407, C>G on the plus strand (G>C on the coding strand, the complement: IL6ST is on the minus strand). VCF-style: chr5-55941407-C-G. GRCh37 (hg19) VCF-style: chr5-55237235-C-G.
Other names: c.2249G>C, p.Arg750Thr (NM_001190981.2); c.2330G>C, p.Arg777Thr (NM_001364275.2); c.2222G>C, p.Arg741Thr (NM_001364276.2); c.1565G>C, p.Arg522Thr (NM_001364277.2); c.1529G>C, p.Arg510Thr (NM_001364278.2); c.1436G>C, p.Arg479Thr (NM_001364279.2); c.*1359G>C (NM_175767.3); c.2432G>C (NM_002184.3); short protein forms R522T, R750T, R479T, R510T, R811T, R741T, R777T.
Identifiers: ClinVar variation 1960467 (VCV001960467.6), dbSNP rs1160375980, ClinGen allele CA359778350.